The following is an entry in ClinVar:

ClinVar aggregate classification (germline): Uncertain significance (1 of 4 stars; one submission).

Conditions:
Familial thoracic aortic aneurysm and aortic dissection (TAAD). Also called: Thoracic aortic aneurysms and dissections. Identifiers: Orphanet 91387, MedGen C4707243, MONDO:0019625.

gnomAD v4.1: 2 of 1,612,762 alleles (0.00012%); highest among the groups gnomAD compares: South Asian, 0.0011%; no homozygotes.

Submission:

Ambry Genetics
Classification: Uncertain significance for Familial thoracic aortic aneurysm and aortic dissection. Last evaluated: 2024-05-22. Review status: criteria provided, single submitter. Criteria: Ambry Variant Classification Scheme 2023. Collection method: clinical testing. Allele origin: germline.
Comment: The p.P1863T variant (also known as c.5587C>A), located in coding exon 30 of the NOTCH1 gene, results from a C to A substitution at nucleotide position 5587. The proline at codon 1863 is replaced by threonine, an amino acid with highly similar properties. This amino acid position is conserved. In addition, the in silico prediction for this alteration is inconclusive. Based on the available evidence, the clinical significance of this variant remains unclear.

NM_017617.5(NOTCH1):c.5587C>A (p.Pro1863Thr)

Gene: NOTCH1 (notch receptor 1; minus strand). Cytogenetic location: 9q34.3.
Variant type: single nucleotide variant.
Coding change: c.5587C>A on transcript NM_017617.5 (MANE Select); coding-DNA position 5587, C replaced by A.
Protein change: p.Pro1863Thr; replaces proline 1863 with threonine.
Molecular consequence: missense variant.
Genome position (GRCh38, 1-based): chr9:136,501,799, G>T on the plus strand (C>A on the coding strand, the complement: NOTCH1 is on the minus strand). VCF-style: chr9-136501799-G-T. GRCh37 (hg19) VCF-style: chr9-139396251-G-T.
Other names: short protein forms P1863T.
Identifiers: ClinVar variation 3300469 (VCV003300469.1).